The following is an entry in ClinVar:

ClinVar aggregate classification (germline): Uncertain significance (1 of 4 stars; one submission).

Conditions:
Hereditary cancer-predisposing syndrome. Also called: Neoplastic Syndromes, Hereditary; Tumor predisposition; Hereditary Cancer Syndrome; Hereditary neoplastic syndrome. Identifiers: Orphanet 140162, MedGen C0027672, MeSH D009386, MONDO:0015356.

Submission:

Ambry Genetics
Classification: Uncertain significance for Hereditary cancer-predisposing syndrome. Last evaluated: 2026-04-12. Review status: criteria provided, single submitter. Criteria: Ambry Variant Classification Scheme 2023. Collection method: clinical testing. Allele origin: germline.
Comment: The p.A764V variant (also known as c.2291C>T), located in coding exon 15 of the CTNNA1 gene, results from a C to T substitution at nucleotide position 2291. The alanine at codon 764 is replaced by valine, an amino acid with similar properties. This amino acid position is conserved. In addition, this alteration is predicted to be deleterious by in silico analysis. Based on the available evidence, the clinical significance of this variant remains unclear.

NM_001903.5(CTNNA1):c.2291C>T (p.Ala764Val)

Gene: CTNNA1 (catenin alpha 1; plus strand). Cytogenetic location: 5q31.2.
Variant type: single nucleotide variant.
Coding change: c.2291C>T on transcript NM_001903.5 (MANE Select); coding-DNA position 2291, C replaced by T.
Protein change: p.Ala764Val; replaces alanine 764 with valine.
Molecular consequence: missense variant.
Genome position (GRCh38, 1-based): chr5:138,930,928, C>T. VCF-style: chr5-138930928-C-T. GRCh37 (hg19) VCF-style: chr5-138266617-C-T.
Other names: c.842C>T, p.Ala281Val (NM_001324006.1, NM_001324007.1, NM_001324008.1 and 2 more transcripts); c.1088C>T, p.Ala363Val (NM_001324011.1); c.938C>T, p.Ala313Val (NM_001324012.1, NM_001324013.1); c.1181C>T, p.Ala394Val (NM_001324000.1, NM_001324001.1, NM_001324002.1 and 17 more transcripts); c.2291C>T, p.Ala764Val (NM_001290307.3, NM_001323982.2, NM_001323983.1 and 2 more transcripts); c.1982C>T, p.Ala661Val (NM_001290309.3); c.1922C>T, p.Ala641Val (NM_001290310.3); c.2198C>T, p.Ala733Val (NM_001323986.2); short protein forms A281V, A313V, A363V, A394V, A641V, A661V, A733V, A764V.
Identifiers: ClinVar variation 4869473 (VCV004869473.1).